The following is an entry in ClinVar:

NM_001308093.3(GATA4):c.232G>T (p.Ala78Ser)

Gene: GATA4 (GATA binding protein 4). Cytogenetic location: 8p23.1.
Variant type: single nucleotide variant.
Coding change: c.232G>T on transcript NM_001308093.3 (MANE Select); coding-DNA position 232, G replaced by T.
Protein change: p.Ala78Ser; replaces alanine 78 with serine.
Molecular consequence: missense variant. On other transcripts: intron variant (3).
Genome position (GRCh38, 1-based): chr8:11,708,544, G>T. VCF-style: chr8-11708544-G-T. GRCh37 (hg19) VCF-style: chr8-11566053-G-T.
Other names: c.232G>T, p.Ala78Ser (NM_002052.5); c.-6+7766G>T (NM_001308094.2); c.-3+530G>T (NM_001374274.1); c.-3+4240G>T (NM_001374273.1); short protein forms A78S.
Identifiers: ClinVar variation 2159466 (VCV002159466.4), dbSNP rs2486779914, ClinGen allele CA370309202.

ClinVar aggregate classification (germline): Uncertain significance (1 of 4 stars; one submission).

Conditions:
Atrioventricular septal defect 4 (AVSD4). Identifiers: MedGen C3280781, MONDO:0013747, OMIM 614430.

Submission:

Labcorp Genetics (formerly Invitae), Labcorp
Classification: Uncertain significance for Atrioventricular septal defect 4. Last evaluated: 2022-03-26. Review status: criteria provided, single submitter. Criteria: Invitae Variant Classification Sherloc (09022015). Collection method: clinical testing. Allele origin: germline.
Comment: This sequence change replaces alanine, which is neutral and non-polar, with serine, which is neutral and polar, at codon 78 of the GATA4 protein (p.Ala78Ser). In summary, the available evidence is currently insufficient to determine the role of this variant in disease. Therefore, it has been classified as a Variant of Uncertain Significance. Algorithms developed to predict the effect of missense changes on protein structure and function output the following: SIFT: "Tolerated"; PolyPhen-2: "Possibly Damaging"; Align-GVGD: "Class C0". The serine amino acid residue is found in multiple mammalian species, which suggests that this missense change does not adversely affect protein function. This variant has not been reported in the literature in individuals affected with GATA4-related conditions. This variant is not present in population databases (gnomAD no frequency).